The following is an entry in ClinVar:

ClinVar aggregate classification (germline): Uncertain significance. Review status: criteria provided, multiple submitters, no conflicts (2 of 4 stars). 2 submissions from 2 submitters: Uncertain significance (2). Last evaluated 2026-04-12.

Conditions:
Hereditary cancer-predisposing syndrome. Also called: Hereditary Cancer Syndrome; Hereditary neoplastic syndrome; Neoplastic Syndromes, Hereditary; Tumor predisposition. Identifiers: Orphanet 140162, MedGen C0027672, MeSH D009386, MONDO:0015356.
Carney complex, type 1 (CNC1). Also called: CARNEY MYXOMA-ENDOCRINE COMPLEX; CARNEY COMPLEX, TYPE I. Identifiers: Orphanet 1359, MedGen C2607929, MONDO:0008057, OMIM 160980.

Submissions (2):

Ambry Genetics
Classification: Uncertain significance for Hereditary cancer-predisposing syndrome. Last evaluated: 2026-04-12. Review status: criteria provided, single submitter. Criteria: Ambry Variant Classification Scheme 2023. Collection method: clinical testing. Allele origin: germline.
Comment: The p.A71P variant (also known as c.211G>C), located in coding exon 2 of the PRKAR1A gene, results from a G to C substitution at nucleotide position 211. The alanine at codon 71 is replaced by proline, an amino acid with highly similar properties. This amino acid position is conserved. In addition, the in silico prediction for this alteration is inconclusive. Based on the available evidence, the clinical significance of this variant remains unclear.

Labcorp Genetics (formerly Invitae), Labcorp
Classification: Uncertain significance for Carney complex, type 1. Last evaluated: 2025-02-02. Review status: criteria provided, single submitter. Criteria: Invitae Variant Classification Sherloc (09022015). Collection method: clinical testing. Allele origin: germline.
Comment: This sequence change replaces alanine, which is neutral and non-polar, with proline, which is neutral and non-polar, at codon 71 of the PRKAR1A protein (p.Ala71Pro). This variant is not present in population databases (gnomAD no frequency). This variant has not been reported in the literature in individuals affected with PRKAR1A-related conditions. Invitae Evidence Modeling of protein sequence and biophysical properties (such as structural, functional, and spatial information, amino acid conservation, physicochemical variation, residue mobility, and thermodynamic stability) indicates that this missense variant is not expected to disrupt PRKAR1A protein function with a negative predictive value of 95%. In summary, the available evidence is currently insufficient to determine the role of this variant in disease. Therefore, it has been classified as a Variant of Uncertain Significance.

NM_002734.5(PRKAR1A):c.211G>C (p.Ala71Pro)

Gene: PRKAR1A (protein kinase cAMP-dependent type I regulatory subunit alpha; plus strand). Cytogenetic location: 17q24.2.
Variant type: single nucleotide variant.
Coding change: c.211G>C on transcript NM_002734.5 (MANE Select); coding-DNA position 211, G replaced by C.
Protein change: p.Ala71Pro; replaces alanine 71 with proline.
Molecular consequence: missense variant.
Genome position (GRCh38, 1-based): chr17:68,522,789, G>C. VCF-style: chr17-68522789-G-C. GRCh37 (hg19) VCF-style: chr17-66518930-G-C.
Other names: c.211G>C, p.Ala71Pro (NM_001276289.2, NM_001276290.1, NM_001278433.2 and 4 more transcripts); c.211G>C (NM_002734.3); short protein forms A71P.
Identifiers: ClinVar variation 3730693 (VCV003730693.3).